The following is an entry in ClinVar:

ClinVar aggregate classification (germline): Uncertain significance. Review status: criteria provided, multiple submitters, no conflicts (2 of 4 stars). 4 submissions from 4 submitters: Uncertain significance (4). Last evaluated 2025-11-07.

Conditions:
Hereditary cancer-predisposing syndrome. Also called: Hereditary neoplastic syndrome; Neoplastic Syndromes, Hereditary; Hereditary Cancer Syndrome; Tumor predisposition. Identifiers: Orphanet 140162, MedGen C0027672, MeSH D009386, MONDO:0015356.
Familial cancer of breast. Also called: BREAST CANCER, FAMILIAL; Hereditary breast cancer; hereditary breast carcinoma. Identifiers: Orphanet 227535, MedGen C0346153, MONDO:0016419, OMIM 114480. Disease mechanism: loss of function.

Allele frequency attached by ClinVar (database versions not stated): TOPMed 0.00001.
gnomAD v4.1: 2 of 1,597,248 alleles (0.00013%); highest among the groups gnomAD compares: African/African-American, 0.0013%; no homozygotes.

Submissions (4):

Ambry Genetics
Classification: Uncertain significance for Hereditary cancer-predisposing syndrome. Last evaluated: 2025-11-07. Review status: criteria provided, single submitter. Criteria: Ambry Variant Classification Scheme 2023. Collection method: clinical testing. Allele origin: germline.
Comment: The p.E19K variant (also known as c.55G>A), located in coding exon 1 of the BARD1 gene, results from a G to A substitution at nucleotide position 55. The glutamic acid at codon 19 is replaced by lysine, an amino acid with similar properties. This amino acid position is poorly conserved in available vertebrate species. In addition, this alteration is predicted to be tolerated by in silico analysis. Based on the available evidence, the clinical significance of this variant remains unclear.

Labcorp Genetics (formerly Invitae), Labcorp
Classification: Uncertain significance for Familial cancer of breast. Last evaluated: 2025-08-20. Review status: criteria provided, single submitter. Criteria: Invitae Variant Classification Sherloc (09022015). Collection method: clinical testing. Allele origin: germline.
Comment: This sequence change replaces glutamic acid, which is acidic and polar, with lysine, which is basic and polar, at codon 19 of the BARD1 protein (p.Glu19Lys). This variant is present in population databases (no rsID available, gnomAD 0.02%). This variant has not been reported in the literature in individuals affected with BARD1-related conditions. ClinVar contains an entry for this variant (Variation ID: 530082). An algorithm developed to predict the effect of missense changes on protein structure and function outputs the following: PolyPhen-2: "Benign". The lysine amino acid residue is found in multiple mammalian species, which suggests that this missense change does not adversely affect protein function. In summary, the available evidence is currently insufficient to determine the role of this variant in disease. Therefore, it has been classified as a Variant of Uncertain Significance.

GeneDx
Classification: Uncertain significance. Last evaluated: 2023-11-07. Review status: criteria provided, single submitter. Criteria: GeneDx Variant Classification Process June 2021. Collection method: clinical testing. Allele origin: germline. Affected: yes.
Comment: In silico analysis supports that this missense variant does not alter protein structure/function; Has not been previously published as pathogenic or benign to our knowledge

Color Diagnostics, LLC DBA Color Health
Classification: Uncertain significance for Hereditary cancer-predisposing syndrome. Last evaluated: 2023-05-23. Review status: criteria provided, single submitter. Criteria: ACMG Guidelines, 2015. Collection method: clinical testing. Allele origin: germline.
Comment: This missense variant replaces glutamic acid with lysine at codon 19 of the BARD1 protein. Computational prediction suggests that this variant may not impact protein structure and function (internally defined REVEL score threshold <= 0.5, PMID: 27666373). To our knowledge, functional studies have not been reported for this variant. This variant has not been reported in individuals affected with BARD1-related disorders in the literature. This variant has been identified in 2/31378 chromosomes in the general population by the Genome Aggregation Database (gnomAD). The available evidence is insufficient to determine the role of this variant in disease conclusively. Therefore, this variant is classified as a Variant of Uncertain Significance.

NM_000465.4(BARD1):c.55G>A (p.Glu19Lys)

Gene: BARD1 (BRCA1 associated RING domain 1; minus strand). Cytogenetic location: 2q35.
Variant type: single nucleotide variant.
Coding change: c.55G>A on transcript NM_000465.4 (MANE Select); coding-DNA position 55, G replaced by A.
Protein change: p.Glu19Lys; replaces glutamic acid 19 with lysine.
Molecular consequence: missense variant. On other transcripts: non-coding transcript variant (3).
Genome position (GRCh38, 1-based): chr2:214,809,515, C>T on the plus strand (G>A on the coding strand, the complement: BARD1 is on the minus strand). VCF-style: chr2-214809515-C-T. GRCh37 (hg19) VCF-style: chr2-215674239-C-T.
Other names: c.55G>A, p.Glu19Lys (NM_001282543.2, NM_001282545.2, NM_001282548.2 and 1 more transcripts); short protein forms E19K.
Identifiers: ClinVar variation 530082 (VCV000530082.21), dbSNP rs752514155, ClinGen allele CA350465244.